The following is an entry in ClinVar:

ClinVar aggregate classification (germline): Uncertain significance (1 of 4 stars; one submission).

gnomAD v4.1: 2 of 1,613,948 alleles (0.00012%); highest among the groups gnomAD compares: African/African-American, 0.0027%; no homozygotes.

Submission:

Women's Health and Genetics/Laboratory Corporation of America, LabCorp
Classification: Uncertain significance. Last evaluated: 2024-04-12. Review status: criteria provided, single submitter. Criteria: LabCorp Variant Classification Summary - May 2015. Collection method: clinical testing. Allele origin: germline.
Comment: Variant summary: OCA2 c.2020C>A (p.Leu674Ile) results in a conservative amino acid change located in the Citrate transporter-like domain (IPR004680) of the encoded protein sequence. Three of five in-silico tools predict a damaging effect of the variant on protein function. The variant was absent in 251282 control chromosomes. The available data on variant occurrences in the general population are insufficient to allow any conclusion about variant significance. To our knowledge, no occurrence of c.2020C>A in individuals affected with Oculocutaneous Albinism and no experimental evidence demonstrating its impact on protein function have been reported. No submitters have cited clinical-significance assessments for this variant to ClinVar. Based on the evidence outlined above, the variant was classified as uncertain significance.

NM_000275.3(OCA2):c.2020C>A (p.Leu674Ile)

Gene: OCA2 (OCA2 melanosomal transmembrane protein; minus strand). Cytogenetic location: 15q13.1.
Variant type: single nucleotide variant.
Coding change: c.2020C>A on transcript NM_000275.3 (MANE Select); coding-DNA position 2020, C replaced by A.
Protein change: p.Leu674Ile; replaces leucine 674 with isoleucine.
Molecular consequence: missense variant.
Genome position (GRCh38, 1-based): chr15:27,926,186, G>T on the plus strand (C>A on the coding strand, the complement: OCA2 is on the minus strand). VCF-style: chr15-27926186-G-T. GRCh37 (hg19) VCF-style: chr15-28171332-G-T.
Other names: c.1948C>A, p.Leu650Ile (NM_001300984.2); short protein forms L650I, L674I.
Identifiers: ClinVar variation 3251311 (VCV003251311.1), dbSNP rs371412500.